The following is an entry in ClinVar:

NM_001142800.2(EYS):c.4166C>A (p.Ala1389Glu)

Gene: EYS (eyes shut homolog; minus strand). Cytogenetic location: 6q12.
Variant type: single nucleotide variant.
Coding change: c.4166C>A on transcript NM_001142800.2 (MANE Select); coding-DNA position 4166, C replaced by A.
Protein change: p.Ala1389Glu; replaces alanine 1389 with glutamic acid.
Molecular consequence: missense variant.
Genome position (GRCh38, 1-based): chr6:64,591,701, G>T on the plus strand (C>A on the coding strand, the complement: EYS is on the minus strand). VCF-style: chr6-64591701-G-T. GRCh37 (hg19) VCF-style: chr6-65301594-G-T.
Other names: c.4166C>A, p.Ala1389Glu (NM_001292009.2); short protein forms A1389E.
Identifiers: ClinVar variation 1988401 (VCV001988401.1), dbSNP rs1291909155, ClinGen allele CA364783908.

ClinVar aggregate classification (germline): Uncertain significance (1 of 4 stars; one submission).

Allele frequency attached by ClinVar (database versions not stated): gnomAD exomes below 0.00001.
gnomAD v4.1: 2 of 1,551,350 alleles (0.00013%); highest among the groups gnomAD compares: Non-Finnish European, 0.00017%; no homozygotes.

Submission:

Labcorp Genetics (formerly Invitae), Labcorp
Classification: Uncertain significance. Last evaluated: 2022-08-05. Review status: criteria provided, single submitter. Criteria: Invitae Variant Classification Sherloc (09022015). Collection method: clinical testing. Allele origin: germline.
Comment: This sequence change replaces alanine, which is neutral and non-polar, with glutamic acid, which is acidic and polar, at codon 1389 of the EYS protein (p.Ala1389Glu). This variant is present in population databases (no rsID available, gnomAD 0.002%). This variant has not been reported in the literature in individuals affected with EYS-related conditions. Algorithms developed to predict the effect of missense changes on protein structure and function output the following: SIFT: "Tolerated"; PolyPhen-2: "Benign"; Align-GVGD: "Class C0". The glutamic acid amino acid residue is found in multiple mammalian species, which suggests that this missense change does not adversely affect protein function. In summary, the available evidence is currently insufficient to determine the role of this variant in disease. Therefore, it has been classified as a Variant of Uncertain Significance.